The following is an entry in ClinVar:

ClinVar aggregate classification (germline): Uncertain significance. Review status: criteria provided, multiple submitters, no conflicts (2 of 4 stars). 4 submissions from 4 submitters: Uncertain significance (4). Last evaluated 2026-05-06.

Conditions:
Growth delay due to insulin-like growth factor I resistance. Also called: Insulin-Like Growth Factor I Resistance; Somatomedin end-organ insensitivity to; Somatomedin-c resistance to; IGF-1 resistance; IGF-I RESISTANCE. Identifiers: Orphanet 73273, MedGen C1849157, MONDO:0010038, OMIM 270450.

Allele frequency attached by ClinVar (database versions not stated): ExAC 0.00001; gnomAD exomes 0.00002; TOPMed 0.00005; gnomAD 0.00006; ESP Exome Variant Server 0.00008; 1000 Genomes Project 0.00040; 1000 Genomes Project 30x 0.00047.
gnomAD v4.1: 40 of 1,614,200 alleles (0.0025%); highest among the groups gnomAD compares: East Asian, 0.011%; no homozygotes.

Submissions (4):

Women's Health and Genetics/Laboratory Corporation of America, LabCorp
Classification: Uncertain significance. Last evaluated: 2026-05-06. Review status: criteria provided, single submitter. Criteria: LabCorp Variant Classification Summary - May 2015. Collection method: clinical testing. Allele origin: germline.
Comment: Variant summary: IGF1R c.3737G>A (p.Arg1246His) results in a non-conservative amino acid change in the encoded protein sequence. Algorithms developed to predict the effect of missense changes on protein structure and function all suggest that this variant is likely to be disruptive. The variant allele was found at a frequency of 2e-05 in 251460 control chromosomes. The available data on variant occurrences in the general population are insufficient to allow any conclusion about variant significance. c.3737G>A has been observed in at least one individual affected with coronal craniosynostosis, without strong evidence of causality (example: Clarke_2018). This report does not provide unequivocal conclusions about association of the variant with Growth Delay Due To Insulin-Like Growth Factor I Resistance. To our knowledge, no experimental evidence demonstrating an impact on protein function has been reported. The following publication has been ascertained in the context of this evaluation (PMID: 29168297). ClinVar contains an entry for this variant (Variation ID: 3252222). Based on the evidence outlined above, the variant was classified as uncertain significance.

Labcorp Genetics (formerly Invitae), Labcorp
Classification: Uncertain significance. Last evaluated: 2024-12-12. Review status: criteria provided, single submitter. Criteria: Invitae Variant Classification Sherloc (09022015). Collection method: clinical testing. Allele origin: germline.
Comment: This sequence change replaces arginine, which is basic and polar, with histidine, which is basic and polar, at codon 1246 of the IGF1R protein (p.Arg1246His). This variant is present in population databases (rs45512296, gnomAD 0.008%). This missense change has been observed in individual(s) with craniosynostosis (PMID: 29168297). ClinVar contains an entry for this variant (Variation ID: 3252222). Invitae Evidence Modeling of protein sequence and biophysical properties (such as structural, functional, and spatial information, amino acid conservation, physicochemical variation, residue mobility, and thermodynamic stability) indicates that this missense variant is not expected to disrupt IGF1R protein function with a negative predictive value of 80%. In summary, the available evidence is currently insufficient to determine the role of this variant in disease. Therefore, it has been classified as a Variant of Uncertain Significance.

GeneDx
Classification: Uncertain significance. Last evaluated: 2023-05-17. Review status: criteria provided, single submitter. Criteria: GeneDx Variant Classification Process June 2021. Collection method: clinical testing. Allele origin: germline. Affected: yes.
Comment: Identified heterozygous in a patient with isolated coronal craniosynostosis, however this patient also had a variant in another gene that could be contributing to their phenotype (Clarke et al., 2018); In silico analysis supports that this missense variant has a deleterious effect on protein structure/function; This variant is associated with the following publications: (PMID: 29168297)

Juno Genomics, Hangzhou Juno Genomics, Inc
Classification: Uncertain significance for Growth delay due to insulin-like growth factor I resistance. Review status: criteria provided, single submitter. Criteria: ACMG Guidelines, 2015. Collection method: clinical testing. Allele origin: germline.
Comment: Missense variant in a gene that has a low rate of benign missense variation.;Multiple lines of computational evidence support a deleterious effect on the gene or gene product.;Absent from controls (or at extremely low frequency if recessive) in Genome Aggregation Database.

Literature cited by the submitters: PubMed 29168297 (cited by Women's Health and Genetics/Laboratory Corporation of America, LabCorp and Labcorp Genetics (formerly Invitae), Labcorp).

NM_000875.5(IGF1R):c.3737G>A (p.Arg1246His)

Gene: IGF1R (insulin like growth factor 1 receptor; plus strand). Cytogenetic location: 15q26.3.
Variant type: single nucleotide variant.
Coding change: c.3737G>A on transcript NM_000875.5 (MANE Select); coding-DNA position 3737, G replaced by A.
Protein change: p.Arg1246His; replaces arginine 1246 with histidine.
Molecular consequence: missense variant.
Genome position (GRCh38, 1-based): chr15:98,957,075, G>A. VCF-style: chr15-98957075-G-A. GRCh37 (hg19) VCF-style: chr15-99500304-G-A.
Other names: c.3734G>A, p.Arg1245His (NM_001291858.2); short protein forms R1245H, R1246H.
Identifiers: ClinVar variation 3252222 (VCV003252222.6), dbSNP rs45512296.